The following is an entry in ClinVar:

ClinVar aggregate classification (germline): Uncertain significance (1 of 4 stars; one submission).

Conditions:
Hereditary cancer-predisposing syndrome. Also called: Neoplastic Syndromes, Hereditary; Hereditary Cancer Syndrome; Tumor predisposition; Hereditary neoplastic syndrome. Identifiers: Orphanet 140162, MedGen C0027672, MeSH D009386, MONDO:0015356.

Submission:

Ambry Genetics
Classification: Uncertain significance for Hereditary cancer-predisposing syndrome. Last evaluated: 2025-02-06. Review status: criteria provided, single submitter. Criteria: Ambry Variant Classification Scheme 2023. Collection method: clinical testing. Allele origin: germline.
Comment: The c.204+5G>A intronic variant results from a G to A substitution 5 nucleotides after coding exon 2 in the POLE gene. This nucleotide position is highly conserved in available vertebrate species. In silico splice site analysis predicts that this alteration will weaken the native splice donor site. Based on the available evidence, the clinical significance of this variant remains unclear.

NM_006231.4(POLE):c.204+5G>A

Gene: POLE (DNA polymerase epsilon, catalytic subunit; minus strand). Cytogenetic location: 12q24.33.
Variant type: single nucleotide variant.
Coding change: c.204+5G>A on transcript NM_006231.4 (MANE Select); 5 bases into the intron after coding-DNA position 204, G replaced by A.
Molecular consequence: intron variant.
Genome position (GRCh38, 1-based): chr12:132,681,133, C>T on the plus strand (G>A on the coding strand, the complement: POLE is on the minus strand). VCF-style: chr12-132681133-C-T. GRCh37 (hg19) VCF-style: chr12-133257719-C-T.
Identifiers: ClinVar variation 3781569 (VCV003781569.1).